The following is an entry in ClinVar:

NM_145046.5(CALR3):c.710C>G (p.Thr237Ser)

Gene: CALR3 (calreticulin 3; minus strand). Cytogenetic location: 19p13.11.
Variant type: single nucleotide variant.
Coding change: c.710C>G on transcript NM_145046.5 (MANE Select); coding-DNA position 710, C replaced by G.
Protein change: p.Thr237Ser; replaces threonine 237 with serine.
Molecular consequence: missense variant.
Genome position (GRCh38, 1-based): chr19:16,482,754, G>C on the plus strand (C>G on the coding strand, the complement: CALR3 is on the minus strand). VCF-style: chr19-16482754-G-C. GRCh37 (hg19) VCF-style: chr19-16593565-G-C.
Other names: short protein forms T237S.
Identifiers: ClinVar variation 576202 (VCV000576202.9), dbSNP rs1329331101, ClinGen allele CA404608390.

ClinVar aggregate classification (germline): Uncertain significance (1 of 4 stars; one submission).

Conditions:
Hypertrophic cardiomyopathy 19. Also called: Familial hypertrophic cardiomyopathy 19. Identifiers: MedGen CN077603, MONDO:0013476.

Submission:

Labcorp Genetics (formerly Invitae), Labcorp
Classification: Uncertain significance for Hypertrophic cardiomyopathy 19. Last evaluated: 2020-02-07. Review status: criteria provided, single submitter. Criteria: Invitae Variant Classification Sherloc (09022015). Collection method: clinical testing. Allele origin: germline.
Comment: This sequence change replaces threonine with serine at codon 237 of the CALR3 protein (p.Thr237Ser). The threonine residue is weakly conserved and there is a small physicochemical difference between threonine and serine. This variant is not present in population databases (ExAC no frequency). This variant has not been reported in the literature in individuals with CALR3-related disease. Algorithms developed to predict the effect of missense changes on protein structure and function (SIFT, PolyPhen-2, Align-GVGD) all suggest that this variant is likely to be tolerated, but these predictions have not been confirmed by published functional studies and their clinical significance is uncertain. In summary, the available evidence is currently insufficient to determine the role of this variant in disease. Therefore, it has been classified as a Variant of Uncertain Significance.